The following is an entry in ClinVar:

NM_032043.3(BRIP1):c.1618C>T (p.Gln540Ter)

Gene: BRIP1 (BRCA1 interacting DNA helicase 1; minus strand). Cytogenetic location: 17q23.2.
Variant type: single nucleotide variant.
Coding change: c.1618C>T on transcript NM_032043.3 (MANE Select); coding-DNA position 1618, C replaced by T.
Protein change: p.Gln540Ter; replaces glutamine 540 with a stop codon.
Molecular consequence: nonsense.
Genome position (GRCh38, 1-based): chr17:61,784,280, G>A on the plus strand (C>T on the coding strand, the complement: BRIP1 is on the minus strand). VCF-style: chr17-61784280-G-A. GRCh37 (hg19) VCF-style: chr17-59861641-G-A.
Other names: short protein forms Q540*.
Identifiers: ClinVar variation 659708 (VCV000659708.9), dbSNP rs1603336897, ClinGen allele CA400480903.

ClinVar aggregate classification (germline): Pathogenic. Review status: criteria provided, multiple submitters, no conflicts (2 of 4 stars). 2 submissions from 2 submitters: Pathogenic (2). Last evaluated 2023-06-02.

Conditions:
Fanconi anemia complementation group J. Also called: BRIP1-Related Fanconi Anemia. Identifiers: Orphanet 84, MedGen C1836860, MONDO:0012187, OMIM 609054.
Familial cancer of breast. Also called: hereditary breast carcinoma; Hereditary breast cancer; BREAST CANCER, FAMILIAL. Identifiers: Orphanet 227535, MedGen C0346153, MONDO:0016419, OMIM 114480. Disease mechanism: loss of function.

Submissions (2):

Myriad Genetics, Inc.
Classification: Pathogenic for Familial cancer of breast. Last evaluated: 2023-06-02. Review status: criteria provided, single submitter. Criteria: Myriad Autosomal Dominant, Autosomal Recessive and X-Linked Classification Criteria (2023). Collection method: clinical testing. Allele origin: unknown.
Comment: This variant is considered pathogenic. This variant creates a termination codon and is predicted to result in premature protein truncation.

Labcorp Genetics (formerly Invitae), Labcorp
Classification: Pathogenic for Familial cancer of breast; Fanconi anemia complementation group J. Last evaluated: 2018-07-24. Review status: criteria provided, single submitter. Criteria: Invitae Variant Classification Sherloc (09022015). Collection method: clinical testing. Allele origin: germline.
Comment: For these reasons, this variant has been classified as Pathogenic. Loss-of-function variants in BRIP1 are known to be pathogenic (PMID: 16116423, 17033622, 21964575). This variant has not been reported in the literature in individuals with BRIP1-related disease. This variant is not present in population databases (ExAC no frequency). This sequence change creates a premature translational stop signal (p.Gln540*) in the BRIP1 gene. It is expected to result in an absent or disrupted protein product.

Literature cited by the submitters: PubMed 16116423 (cited by Labcorp Genetics (formerly Invitae), Labcorp); PubMed 17033622 (cited by Labcorp Genetics (formerly Invitae), Labcorp); PubMed 21964575 (cited by Labcorp Genetics (formerly Invitae), Labcorp).